The following is an entry in ClinVar:

NM_001195263.2(PDZD7):c.1489G>T (p.Ala497Ser)

Gene: PDZD7 (PDZ domain containing 7; minus strand). Cytogenetic location: 10q24.31.
Variant type: single nucleotide variant.
Coding change: c.1489G>T on transcript NM_001195263.2 (MANE Select); coding-DNA position 1489, G replaced by T.
Protein change: p.Ala497Ser; replaces alanine 497 with serine.
Molecular consequence: missense variant.
Genome position (GRCh38, 1-based): chr10:101,018,132, C>A on the plus strand (G>T on the coding strand, the complement: PDZD7 is on the minus strand). VCF-style: chr10-101018132-C-A. GRCh37 (hg19) VCF-style: chr10-102777889-C-A.
Other names: c.1517G>T, p.Gly506Val (NM_001351044.2); c.1489G>T, p.Ala497Ser (NM_024895.5); c.1489G>T (NM_001195263.1); short protein forms G506V, A497S.
Identifiers: ClinVar variation 1507542 (VCV001507542.7), dbSNP rs772930835, ClinGen allele CA5654079.

ClinVar aggregate classification (germline): Uncertain significance. Review status: criteria provided, multiple submitters, no conflicts (2 of 4 stars). 2 submissions from 2 submitters: Uncertain significance (2). Last evaluated 2025-10-01.

Allele frequency attached by ClinVar (database versions not stated): TOPMed 0.00001.
gnomAD v4.1: 5 of 1,614,182 alleles (0.00031%); highest among the groups gnomAD compares: Admixed American, 0.005%; no homozygotes.

Submissions (2):

Labcorp Genetics (formerly Invitae), Labcorp
Classification: Uncertain significance. Last evaluated: 2025-10-01. Review status: criteria provided, single submitter. Criteria: Invitae Variant Classification Sherloc (09022015). Collection method: clinical testing. Allele origin: germline.
Comment: This sequence change replaces alanine, which is neutral and non-polar, with serine, which is neutral and polar, at codon 497 of the PDZD7 protein (p.Ala497Ser). This variant is present in population databases (rs772930835, gnomAD 0.006%). This variant has not been reported in the literature in individuals affected with PDZD7-related conditions. ClinVar contains an entry for this variant (Variation ID: 1507542). Invitae Evidence Modeling of protein sequence and biophysical properties (such as structural, functional, and spatial information, amino acid conservation, physicochemical variation, residue mobility, and thermodynamic stability) indicates that this missense variant is not expected to disrupt PDZD7 protein function with a negative predictive value of 80%. In summary, the available evidence is currently insufficient to determine the role of this variant in disease. Therefore, it has been classified as a Variant of Uncertain Significance.

GeneDx
Classification: Uncertain significance. Last evaluated: 2025-05-14. Review status: criteria provided, single submitter. Criteria: GeneDx Variant Classification Process June 2021. Collection method: clinical testing. Allele origin: germline. Affected: yes.
Comment: Not observed at significant frequency in large population cohorts (gnomAD); In silico analysis suggests that this missense variant does not alter protein structure/function; Has not been previously published as pathogenic or benign to our knowledge